The following is an entry in ClinVar:

NM_017565.4(FAM20A):c.929-11_929-3del

Genes: FAM20A (FAM20A golgi associated secretory pathway pseudokinase; minus strand), PRKAR1A (protein kinase cAMP-dependent type I regulatory subunit alpha; plus strand). Cytogenetic location: 17q24.2.
Variant type: Deletion.
Coding change: c.929-11_929-3del on transcript NM_017565.4 (MANE Select); 11 bases into the intron before coding-DNA position 929 through 3 bases into the intron before coding-DNA position 929, 9 bases deleted (CCATCCTCC; older notation c.929-11_929-3delCCATCCTCC).
Molecular consequence: intron variant.
Genome position (GRCh38, 1-based): chr17:68,542,168-68,542,176, GGAGGATGG deleted on the plus strand (CCATCCTCC on the coding strand, the reverse complement: FAM20A is on the minus strand); deleting any 9 consecutive bases within chr17:68,542,168-68,542,182 gives the same sequence; the c. name uses the placement nearest the transcript's 3' end. VCF-style (leftmost placement, unchanged base first): chr17-68542167-TGGAGGATGG-T. GRCh37 (hg19) VCF-style: chr17-66538308-TGGAGGATGG-T.
Other names: c.974-8910_974-8902del (NM_001276290.1); c.515-11_515-3del (NM_001243746.2).
Identifiers: ClinVar variation 1703465 (VCV001703465.4), dbSNP rs778292216, ClinGen allele CA8729856.

ClinVar aggregate classification (germline): Conflicting classifications of pathogenicity. Review status: criteria provided, conflicting classifications (1 of 4 stars). 2 submissions from 2 submitters: Uncertain significance (1); Likely benign (1). Last evaluated 2024-02-12.

Submissions (2):

Labcorp Genetics (formerly Invitae), Labcorp
Classification: Likely benign. Last evaluated: 2024-02-12. Review status: criteria provided, single submitter. Criteria: Invitae Variant Classification Sherloc (09022015). Collection method: clinical testing. Allele origin: germline.

GeneDx
Classification: Uncertain significance. Last evaluated: 2022-02-24. Review status: criteria provided, single submitter. Criteria: GeneDx Variant Classification Process June 2021. Collection method: clinical testing. Allele origin: germline. Affected: yes.
Comment: In silico analysis supports that this variant does not alter splicing; Has not been previously published as pathogenic or benign to our knowledge